The following is an entry in ClinVar:

NM_001048174.2(MUTYH):c.824A>G (p.Glu275Gly)

Gene: MUTYH (mutY DNA glycosylase; minus strand). Cytogenetic location: 1p34.1.
Variant type: single nucleotide variant.
Coding change: c.824A>G on transcript NM_001048174.2 (MANE Select); coding-DNA position 824, A replaced by G.
Protein change: p.Glu275Gly; replaces glutamic acid 275 with glycine.
Molecular consequence: missense variant. On other transcripts: non-coding transcript variant (2).
Genome position (GRCh38, 1-based): chr1:45,332,191, T>C on the plus strand (A>G on the coding strand, the complement: MUTYH is on the minus strand). VCF-style: chr1-45332191-T-C. GRCh37 (hg19) VCF-style: chr1-45797863-T-C.
Other names: c.908A>G (NM_001128425.1); c.824A>G, p.Glu275Gly (NM_001048171.2, NM_001048173.2, NM_001293195.2); c.827A>G, p.Glu276Gly (NM_001048172.2); c.908A>G, p.Glu303Gly (NM_001128425.2); c.869A>G, p.Glu290Gly (NM_001293190.2); c.857A>G, p.Glu286Gly (NM_001293191.2); c.548A>G, p.Glu183Gly (NM_001293192.2, NM_001293196.2); c.479A>G, p.Glu160Gly (NM_001350650.2, NM_001350651.2); and 1 more; short protein forms E276G, E290G, E300G, E160G, E275G, E286G, E183G, E303G.
Identifiers: ClinVar variation 1508367 (VCV001508367.8), dbSNP rs2149137337, ClinGen allele CA340134367.
Genomic context (GRCh38, chr1:45,332,191, plus strand): 5'-AGGACTTCTCACTGCCCCTTCCCCAGTAGGCTTACTCTCTGGCGTGCCCGGCACAGGCTC[T>C]CCACAGGGCACTGGCTGCACAGTGGGCGCTGTGGGGTACACACTGTGGCCCCTAGCTCCA-3'
Protein context (NP_001041639.1, residues 265-285): QRPLCSQCPV[Glu275Gly]SLCRARQRVE

ClinVar aggregate classification (germline): Conflicting classifications of pathogenicity. Review status: criteria provided, conflicting classifications (1 of 4 stars). 2 submissions from 2 submitters: Uncertain significance (1); Likely benign (1). Last evaluated 2025-09-15.

Conditions:
Hereditary cancer-predisposing syndrome. Also called: Neoplastic Syndromes, Hereditary; Hereditary Cancer Syndrome; Hereditary neoplastic syndrome; Tumor predisposition. Identifiers: Orphanet 140162, MedGen C0027672, MeSH D009386, MONDO:0015356.
Familial adenomatous polyposis 2. Also called: MUTYH-associated polyposis; MUTYH-related attenuated familial adenomatous polyposis; COLORECTAL ADENOMATOUS POLYPOSIS, AUTOSOMAL RECESSIVE; ADENOMAS, MULTIPLE COLORECTAL, AUTOSOMAL RECESSIVE; FAP type 2; MUTYH Polyposis. Identifiers: Orphanet 220460, Orphanet 247798, MedGen C3272841, MONDO:0012041, OMIM 608456.

Submissions (2):

Ambry Genetics
Classification: Likely benign for Hereditary cancer-predisposing syndrome. Last evaluated: 2025-09-15. Review status: criteria provided, single submitter. Criteria: Ambry Variant Classification Scheme 2023. Collection method: clinical testing. Allele origin: germline.

Labcorp Genetics (formerly Invitae), Labcorp
Classification: Uncertain significance for Familial adenomatous polyposis 2. Last evaluated: 2023-09-04. Review status: criteria provided, single submitter. Criteria: Invitae Variant Classification Sherloc (09022015). Collection method: clinical testing. Allele origin: germline.
Comment: In summary, the available evidence is currently insufficient to determine the role of this variant in disease. Therefore, it has been classified as a Variant of Uncertain Significance. This sequence change replaces glutamic acid, which is acidic and polar, with glycine, which is neutral and non-polar, at codon 303 of the MUTYH protein (p.Glu303Gly). This variant is not present in population databases (gnomAD no frequency). This variant has not been reported in the literature in individuals affected with MUTYH-related conditions. ClinVar contains an entry for this variant (Variation ID: 1508367). An algorithm developed to predict the effect of missense changes on protein structure and function (PolyPhen-2) suggests that this variant is likely to be tolerated.